The following is an entry in ClinVar:

ClinVar aggregate classification (germline): Uncertain significance (1 of 4 stars; one submission).

Submission:

Ambry Genetics
Classification: Uncertain significance. Last evaluated: 2026-07-21. Review status: criteria provided, single submitter. Criteria: Ambry Variant Classification Scheme 2023. Collection method: clinical testing. Allele origin: germline.
Comment: The p.A139T variant (also known as c.415G>A), located in coding exon 2 of the MYLK2 gene, results from a G to A substitution at nucleotide position 415. The alanine at codon 139 is replaced by threonine, an amino acid with similar properties. This amino acid position is conserved. In addition, this alteration is predicted to be tolerated by in silico analysis. Based on the available evidence, the clinical significance of this variant remains unclear.

NM_033118.4(MYLK2):c.415G>A (p.Ala139Thr)

Gene: MYLK2 (myosin light chain kinase 2; plus strand). Cytogenetic location: 20q11.21.
Variant type: single nucleotide variant.
Coding change: c.415G>A on transcript NM_033118.4 (MANE Select); coding-DNA position 415, G replaced by A.
Protein change: p.Ala139Thr; replaces alanine 139 with threonine.
Molecular consequence: missense variant.
Genome position (GRCh38, 1-based): chr20:31,820,488, G>A. VCF-style: chr20-31820488-G-A. GRCh37 (hg19) VCF-style: chr20-30408291-G-A.
Other names: short protein forms A139T.
Identifiers: ClinVar variation 5025232 (VCV005025232.1).